The following is an entry in ClinVar:

Conditions:
Arteriohepatic dysplasia. Also called: Alagille Syndrome. Identifiers: Orphanet 52, MedGen C0085280, MeSH D016738, MONDO:0007318.

Submission:

Gilbert/Spinner Lab, Children's Hospital of Philadelphia
No classification provided (evidence only). Condition: Alagille syndrome. Review status: no classification provided. Collection method: research. Allele origin: not applicable. Functional consequence: functionally_abnormal.
ClinVar note: "not provided" was previously submitted as the classification for the variant. However, the classification appeared to be based only on an observation of functional data so it was converted to no classification on 2025-07-30.

NM_000214.3(JAG1):c.878G>C (p.Cys293Ser)

Gene: JAG1 (jagged canonical Notch ligand 1; minus strand). Cytogenetic location: 20p12.2.
Variant type: single nucleotide variant.
Coding change: c.878G>C on transcript NM_000214.3 (MANE Select); coding-DNA position 878, G replaced by C.
Protein change: p.Cys293Ser; replaces cysteine 293 with serine.
Molecular consequence: missense variant.
Genome position (GRCh38, 1-based): chr20:10,652,476, C>G on the plus strand (G>C on the coding strand, the complement: JAG1 is on the minus strand). VCF-style: chr20-10652476-C-G. GRCh37 (hg19) VCF-style: chr20-10633124-C-G.
Other names: short protein forms C293S.
Identifiers: ClinVar variation 3573160 (VCV003573160.2).